The following is an entry in ClinVar:

ClinVar aggregate classification (germline): Conflicting classifications of pathogenicity. Review status: criteria provided, conflicting classifications (1 of 4 stars). 6 submissions from 6 submitters: Uncertain significance (1); Benign (3); Likely benign (2). Last evaluated 2024-07-02.

Submissions (6):

Blueprint Genetics
Classification: Likely benign. Last evaluated: 2024-07-02. Review status: criteria provided, single submitter. Criteria: ACMG Guidelines, 2015. Collection method: clinical testing. Allele origin: germline.

Labcorp Genetics (formerly Invitae), Labcorp
Classification: Benign. Last evaluated: 2024-01-18. Review status: criteria provided, single submitter. Criteria: Invitae Variant Classification Sherloc (09022015). Collection method: clinical testing. Allele origin: germline.

CeGaT Center for Human Genetics Tuebingen
Classification: Uncertain significance. Last evaluated: 2019-01-01. Review status: criteria provided, single submitter. Criteria: CeGaT Center For Human Genetics Tuebingen Variant Classification Criteria Version 2. Collection method: clinical testing. Allele origin: germline. Affected: yes. Observed: 2 variant alleles.

GeneDx
Classification: Likely benign. Last evaluated: 2018-09-20. Review status: criteria provided, single submitter. Criteria: GeneDx Variant Classification Process June 2021. Collection method: clinical testing. Allele origin: germline. Affected: yes.

Laboratory for Molecular Medicine, Mass General Brigham Personalized Medicine
Classification: Benign. Last evaluated: 2017-04-19. Review status: criteria provided, single submitter. Criteria: LMM Criteria. Collection method: clinical testing. Allele origin: germline. Observed: 1 variant allele.
Comment: p.Glu1501del in exon 36A of PCDH15: This variant is not expected to have clinica l significance because it has been identified in 0.63% of African chromosomes by the Exome Aggregation Consortium (ExAC; dbSNP r s561144747).

Eurofins Ntd Llc (ga)
Classification: Benign. Last evaluated: 2015-12-21. Review status: criteria provided, single submitter. Criteria: EGL Classification Definitions 2015. Collection method: clinical testing. Allele origin: germline. Observed: 1 variant allele, 1 heterozygote.

NM_001384140.1(PCDH15):c.4651GAA[1] (p.Glu1552del)

Gene: PCDH15 (protocadherin related 15; minus strand). Cytogenetic location: 10q21.1.
Variant type: Microsatellite.
Coding change: c.4651GAA[1] on transcript NM_001384140.1 (MANE Select); one copy of the 3-base unit GAA starting at c.4651; the reference has two copies in a row; one copy, 3 bases deleted.
Protein change: p.Glu1552del; deletes glutamic acid 1552.
Molecular consequence: inframe deletion. On other transcripts: inframe indel (1).
Genome position (GRCh38, 1-based): chr10:53,810,571-53,810,573, TTC deleted on the plus strand (GAA on the coding strand, the reverse complement: PCDH15 is on the minus strand); deleting any 3 consecutive bases within chr10:53,810,571-53,810,576 gives the same sequence; the position shown is the placement nearest the transcript's 3' end. VCF-style (leftmost placement, unchanged base first): chr10-53810570-ATTC-A. GRCh37 (hg19) VCF-style: chr10-55570330-ATTC-A.
Other names: c.4498_4500GAA[1], p.Glu1501del (NM_001142769.4); c.4533GAA[1], p.Lys1512del (NM_001142770.3); c.4477GAA[1], p.Glu1494del (NM_001142771.2, NM_001354411.2); c.4462GAA[1], p.Glu1489del (NM_001142772.2); c.4456GAA[1], p.Glu1487del (NM_001354420.2); c.4585GAA[1], p.Glu1530del (NM_001354429.2); short protein forms E1501del, E1494del, E1489del, K1512del, E1487del, E1530del, E1552del.
Identifiers: ClinVar variation 285111 (VCV000285111.60), dbSNP rs561144747, ClinGen allele CA5504876.